The following is an entry in ClinVar:

NM_001378457.1(DMXL2):c.2444T>C (p.Ile815Thr)

Gene: DMXL2 (Dmx like 2; minus strand). Cytogenetic location: 15q21.2.
Variant type: single nucleotide variant.
Coding change: c.2444T>C on transcript NM_001378457.1 (MANE Select); coding-DNA position 2444, T replaced by C.
Protein change: p.Ile815Thr; replaces isoleucine 815 with threonine.
Molecular consequence: missense variant. On other transcripts: non-coding transcript variant (2).
Genome position (GRCh38, 1-based): chr15:51,517,160, A>G on the plus strand (T>C on the coding strand, the complement: DMXL2 is on the minus strand). VCF-style: chr15-51517160-A-G. GRCh37 (hg19) VCF-style: chr15-51809357-A-G.
Other names: c.2444T>C, p.Ile815Thr (NM_001174116.3, NM_001174117.3, NM_001378458.1 and 6 more transcripts); c.2204T>C, p.Ile735Thr (NM_001378464.1); short protein forms I815T, I735T.
Identifiers: ClinVar variation 2048503 (VCV002048503.2), dbSNP rs148960329, ClinGen allele CA7562367.

ClinVar aggregate classification (germline): Uncertain significance. Review status: criteria provided, multiple submitters, no conflicts (2 of 4 stars). 2 submissions from 2 submitters: Uncertain significance (2). Last evaluated 2024-11-25.

Allele frequency attached by ClinVar (database versions not stated): gnomAD exomes 0.00004; ExAC 0.00016; gnomAD 0.00031; TOPMed 0.00037; ESP Exome Variant Server 0.00039; 1000 Genomes Project 0.00140; 1000 Genomes Project 30x 0.00141.
gnomAD v4.1: 107 of 1,613,334 alleles (0.0066%); highest among the groups gnomAD compares: African/African-American, 0.12%; no homozygotes.

Submissions (2):

Blueprint Genetics
Classification: Uncertain significance. Last evaluated: 2024-11-25. Review status: criteria provided, single submitter. Criteria: ACMG Guidelines, 2015. Collection method: clinical testing. Allele origin: germline.

Labcorp Genetics (formerly Invitae), Labcorp
Classification: Uncertain significance. Last evaluated: 2022-09-07. Review status: criteria provided, single submitter. Criteria: Invitae Variant Classification Sherloc (09022015). Collection method: clinical testing. Allele origin: germline.
Comment: This sequence change replaces isoleucine, which is neutral and non-polar, with threonine, which is neutral and polar, at codon 815 of the DMXL2 protein (p.Ile815Thr). This variant is present in population databases (rs148960329, gnomAD 0.1%). This variant has not been reported in the literature in individuals affected with DMXL2-related conditions. Algorithms developed to predict the effect of missense changes on protein structure and function are either unavailable or do not agree on the potential impact of this missense change (SIFT: "Deleterious"; PolyPhen-2: "Possibly Damaging"; Align-GVGD: "Class C0"). In summary, the available evidence is currently insufficient to determine the role of this variant in disease. Therefore, it has been classified as a Variant of Uncertain Significance.